The following is an entry in ClinVar:

ClinVar aggregate classification (germline): Uncertain significance (1 of 4 stars; one submission).

Allele frequency attached by ClinVar (database versions not stated): gnomAD exomes below 0.00001; TOPMed below 0.00001.
gnomAD v4.1: 6 of 1,611,346 alleles (0.00037%); highest among the groups gnomAD compares: Non-Finnish European, 0.00051%; no homozygotes.

Submission:

Labcorp Genetics (formerly Invitae), Labcorp
Classification: Uncertain significance. Last evaluated: 2025-04-13. Review status: criteria provided, single submitter. Criteria: Invitae Variant Classification Sherloc (09022015). Collection method: clinical testing. Allele origin: germline.
Comment: This sequence change replaces threonine, which is neutral and polar, with serine, which is neutral and polar, at codon 4 of the MBD4 protein (p.Thr4Ser). This variant is not present in population databases (gnomAD no frequency). This variant has not been reported in the literature in individuals affected with MBD4-related conditions. ClinVar contains an entry for this variant (Variation ID: 2783136). An algorithm developed to predict the effect of missense changes on protein structure and function outputs the following: PolyPhen-2: "Benign". The serine amino acid residue is found in multiple mammalian species, which suggests that this missense change does not adversely affect protein function. In summary, the available evidence is currently insufficient to determine the role of this variant in disease. Therefore, it has been classified as a Variant of Uncertain Significance.

NM_001276270.2(MBD4):c.11C>G (p.Thr4Ser)

Genes: MBD4 (methyl-CpG binding domain 4, DNA glycosylase; minus strand), LOC129937550 (ATAC-STARR-seq lymphoblastoid active region 20512; plus strand). Cytogenetic location: 3q21.3.
Variant type: single nucleotide variant.
Coding change: c.11C>G on transcript NM_001276270.2 (MANE Select); coding-DNA position 11, C replaced by G.
Protein change: p.Thr4Ser; replaces threonine 4 with serine.
Molecular consequence: missense variant.
Genome position (GRCh38, 1-based): chr3:129,439,823, G>C on the plus strand (C>G on the coding strand, the complement: MBD4 is on the minus strand). VCF-style: chr3-129439823-G-C. GRCh37 (hg19) VCF-style: chr3-129158666-G-C.
Other names: c.11C>G, p.Thr4Ser (NM_001276271.2, NM_001276272.2, NM_001276273.2 and 1 more transcripts); short protein forms T4S.
Identifiers: ClinVar variation 2783136 (VCV002783136.3), dbSNP rs2072706728, ClinGen allele CA354468991.